The following is an entry in ClinVar:

NM_005144.5(HR):c.549G>A (p.Pro183=)

Gene: HR (HR lysine demethylase and nuclear receptor corepressor; minus strand). Cytogenetic location: 8p21.3.
Variant type: single nucleotide variant.
Coding change: c.549G>A on transcript NM_005144.5 (MANE Select); coding-DNA position 549, G replaced by A.
Protein change: p.Pro183=; no amino-acid change (proline 183 retained).
Molecular consequence: synonymous variant.
Genome position (GRCh38, 1-based): chr8:22,128,622, C>T on the plus strand (G>A on the coding strand, the complement: HR is on the minus strand). VCF-style: chr8-22128622-C-T. GRCh37 (hg19) VCF-style: chr8-21986135-C-T.
Other names: c.549G>A, p.Pro183= (NM_018411.4).
Identifiers: ClinVar variation 3047800 (VCV003047800.2), dbSNP rs555255466, ClinGen allele CA173460677.

ClinVar aggregate classification (germline): Likely benign (0 of 4 stars; one submission).

Conditions:
HR-related disorder. Also called: HR-related disorders; HR-related condition. Identifiers: MedGen CN239293.

Allele frequency attached by ClinVar (database versions not stated): TOPMed 0.00002.
gnomAD v4.1: 23 of 1,603,276 alleles (0.0014%); highest among the groups gnomAD compares: Admixed American, 0.0069%; no homozygotes.

Submission:

PreventionGenetics, part of Exact Sciences
Classification: Likely benign for HR-related condition. Last evaluated: 2019-03-25. Review status: no assertion criteria provided. Collection method: clinical testing. Allele origin: germline.
Comment: This variant is classified as likely benign based on ACMG/AMP sequence variant interpretation guidelines (Richards et al. 2015 PMID: 25741868, with internal and published modifications).